The following is an entry in ClinVar:

ClinVar aggregate classification (germline): Uncertain significance. Review status: criteria provided, multiple submitters, no conflicts (2 of 4 stars). 2 submissions from 2 submitters: Uncertain significance (2). Last evaluated 2025-08-30.

Conditions:
Arrhythmogenic right ventricular dysplasia 13. Also called: ARRHYTHMOGENIC RIGHT VENTRICULAR CARDIOMYOPATHY 13; Arrhythmogenic right ventricular dysplasia, familial, 13. Identifiers: MedGen C3810138, MONDO:0000908, OMIM 615616.

gnomAD v4.1: 7 of 1,614,052 alleles (0.00043%); highest among the groups gnomAD compares: Non-Finnish European, 0.00059%; no homozygotes.

Submissions (2):

Labcorp Genetics (formerly Invitae), Labcorp
Classification: Uncertain significance for Arrhythmogenic right ventricular dysplasia 13. Last evaluated: 2025-08-30. Review status: criteria provided, single submitter. Criteria: Invitae Variant Classification Sherloc (09022015). Collection method: clinical testing. Allele origin: germline.
Comment: This sequence change replaces leucine, which is neutral and non-polar, with phenylalanine, which is neutral and non-polar, at codon 814 of the CTNNA3 protein (p.Leu814Phe). This variant is not present in population databases (gnomAD no frequency). This variant has not been reported in the literature in individuals affected with CTNNA3-related conditions. ClinVar contains an entry for this variant (Variation ID: 3498294). Invitae Evidence Modeling of protein sequence and biophysical properties (such as structural, functional, and spatial information, amino acid conservation, physicochemical variation, residue mobility, and thermodynamic stability) indicates that this missense variant is expected to disrupt CTNNA3 protein function with a positive predictive value of 80%. In summary, the available evidence is currently insufficient to determine the role of this variant in disease. Therefore, it has been classified as a Variant of Uncertain Significance.

Ambry Genetics
Classification: Uncertain significance. Last evaluated: 2024-08-12. Review status: criteria provided, single submitter. Criteria: Ambry Variant Classification Scheme 2023. Collection method: clinical testing. Allele origin: germline.
Comment: The p.L814F variant (also known as c.2442A>C), located in coding exon 17 of the CTNNA3 gene, results from an A to C substitution at nucleotide position 2442. The leucine at codon 814 is replaced by phenylalanine, an amino acid with highly similar properties. This amino acid position is conserved. In addition, this alteration is predicted to be deleterious by in silico analysis. Based on the available evidence, the clinical significance of this variant remains unclear.

NM_013266.4(CTNNA3):c.2442A>C (p.Leu814Phe)

Gene: CTNNA3 (catenin alpha 3; minus strand). Cytogenetic location: 10q21.3.
Variant type: single nucleotide variant.
Coding change: c.2442A>C on transcript NM_013266.4 (MANE Select); coding-DNA position 2442, A replaced by C.
Protein change: p.Leu814Phe; replaces leucine 814 with phenylalanine.
Molecular consequence: missense variant.
Genome position (GRCh38, 1-based): chr10:65,920,576, T>G on the plus strand (A>C on the coding strand, the complement: CTNNA3 is on the minus strand). VCF-style: chr10-65920576-T-G. GRCh37 (hg19) VCF-style: chr10-67680334-T-G.
Other names: c.2442A>C, p.Leu814Phe (NM_001127384.3); short protein forms L814F.
Identifiers: ClinVar variation 3498294 (VCV003498294.2).